The following is an entry in ClinVar:

NM_194277.3(FRMD7):c.1216C>T (p.His406Tyr)

Gene: FRMD7 (FERM domain containing 7; minus strand). Cytogenetic location: Xq26.2.
Variant type: single nucleotide variant.
Coding change: c.1216C>T on transcript NM_194277.3 (MANE Select); coding-DNA position 1216, C replaced by T.
Protein change: p.His406Tyr; replaces histidine 406 with tyrosine.
Molecular consequence: missense variant.
Genome position (GRCh38, 1-based): chrX:132,078,801, G>A on the plus strand (C>T on the coding strand, the complement: FRMD7 is on the minus strand). VCF-style: chrX-132078801-G-A. GRCh37 (hg19) VCF-style: chrX-131212829-G-A.
Other names: c.1171C>T, p.His391Tyr (NM_001306193.2); short protein forms H391Y, H406Y.
Identifiers: ClinVar variation 3279903 (VCV003279903.3).

ClinVar aggregate classification (germline): Uncertain significance. Review status: criteria provided, multiple submitters, no conflicts (2 of 4 stars). 2 submissions from 2 submitters: Uncertain significance (2). Last evaluated 2025-01-01.

Conditions:
Inborn genetic diseases. Identifiers: MedGen C0950123, MeSH D030342.

gnomAD v4.1: 7 of 1,209,390 alleles (0.00058%); highest among the groups gnomAD compares: African/African-American, 0.007%; no homozygotes.

Submissions (2):

Labcorp Genetics (formerly Invitae), Labcorp
Classification: Uncertain significance. Last evaluated: 2025-01-01. Review status: criteria provided, single submitter. Criteria: Invitae Variant Classification Sherloc (09022015). Collection method: clinical testing. Allele origin: germline.
Comment: This sequence change replaces histidine, which is basic and polar, with tyrosine, which is neutral and polar, at codon 406 of the FRMD7 protein (p.His406Tyr). This variant is present in population databases (rs149411634, gnomAD 0.01%), including at least one homozygous and/or hemizygous individual. This variant has not been reported in the literature in individuals affected with FRMD7-related conditions. An algorithm developed to predict the effect of missense changes on protein structure and function (PolyPhen-2) suggests that this variant is likely to be disruptive. In summary, the available evidence is currently insufficient to determine the role of this variant in disease. Therefore, it has been classified as a Variant of Uncertain Significance.

Ambry Genetics
Classification: Uncertain significance for Inborn genetic diseases. Last evaluated: 2024-05-09. Review status: criteria provided, single submitter. Criteria: Ambry Variant Classification Scheme 2023. Collection method: clinical testing. Allele origin: germline.